The following is an entry in ClinVar:

ClinVar aggregate classification (germline): Conflicting classifications of pathogenicity. Review status: criteria provided, conflicting classifications (1 of 4 stars). 5 submissions from 5 submitters: Uncertain significance (2); Likely benign (3). Last evaluated 2025-10-30.

Conditions:
Inborn genetic diseases. Identifiers: MedGen C0950123, MeSH D030342.
Hereditary insensitivity to pain with anhidrosis (CIPA). Also called: FAMILIAL DYSAUTONOMIA, TYPE II; NEUROPATHY, CONGENITAL SENSORY, WITH ANHIDROSIS; INSENSITIVITY TO PAIN, CONGENITAL, WITH ANHIDROSIS; hereditary sensory and autonomic neuropathy type 4; HSAN Type IV; NTRK1 Congenital Insensitivity to Pain with Anhidrosis. Identifiers: Orphanet 642, MedGen C0020074, MONDO:0009746, OMIM 256800.

Allele frequency attached by ClinVar (database versions not stated): gnomAD 0.00003 and 0.00004; TOPMed 0.00003.
gnomAD v4.1: 43 of 1,605,812 alleles (0.0027%); highest among the groups gnomAD compares: Middle Eastern, 0.016%; no homozygotes.

Submissions (5):

Labcorp Genetics (formerly Invitae), Labcorp
Classification: Likely benign for Hereditary insensitivity to pain with anhidrosis. Last evaluated: 2025-10-30. Review status: criteria provided, single submitter. Criteria: Invitae Variant Classification Sherloc (09022015). Collection method: clinical testing. Allele origin: germline.

Women's Health and Genetics/Laboratory Corporation of America, LabCorp
Classification: Likely benign. Last evaluated: 2025-07-21. Review status: criteria provided, single submitter. Criteria: LabCorp Variant Classification Summary - May 2015. Collection method: clinical testing. Allele origin: germline.

Ambry Genetics
Classification: Uncertain significance for Inborn genetic diseases. Last evaluated: 2023-06-20. Review status: criteria provided, single submitter. Criteria: Ambry Variant Classification Scheme 2023. Collection method: clinical testing. Allele origin: germline.
Comment: The c.1234-6C>G intronic alteration consists of a C to G substitution 6 nucleotides before coding exon 10 in the NTRK1 gene. Based on insufficient or conflicting evidence, the clinical significance of this alteration remains unclear.

ARUP Laboratories, Molecular Genetics and Genomics, ARUP Laboratories
Classification: Likely benign for Hereditary insensitivity to pain with anhidrosis. Last evaluated: 2020-05-07. Review status: criteria provided, single submitter. Criteria: ARUP Molecular Germline Variant Investigation Process. Collection method: clinical testing. Allele origin: germline.

Illumina Laboratory Services, Illumina
Classification: Uncertain significance for Hereditary insensitivity to pain with anhidrosis. Last evaluated: 2018-01-13. Review status: criteria provided, single submitter. Criteria: ICSL Variant Classification Criteria 13 December 2019. Collection method: clinical testing. Allele origin: germline.

NM_002529.4(NTRK1):c.1252-6C>G

Gene: NTRK1 (neurotrophic receptor tyrosine kinase 1; plus strand). Cytogenetic location: 1q23.1.
Variant type: single nucleotide variant.
Coding change: c.1252-6C>G on transcript NM_002529.4 (MANE Select); 6 bases into the intron before coding-DNA position 1252, C replaced by G.
Molecular consequence: intron variant.
Genome position (GRCh38, 1-based): chr1:156,874,900, C>G. VCF-style: chr1-156874900-C-G. GRCh37 (hg19) VCF-style: chr1-156844692-C-G.
Other names: c.1144-6C>G (NM_001007792.1); c.1234-6C>G (NM_001012331.2).
Identifiers: ClinVar variation 876645 (VCV000876645.19), dbSNP rs776728101, ClinGen allele CA1169266.